The following is an entry in ClinVar:

NM_004415.4(DSP):c.2134G>A (p.Val712Met)

Gene: DSP (desmoplakin; plus strand). Cytogenetic location: 6p24.3.
Variant type: single nucleotide variant.
Coding change: c.2134G>A on transcript NM_004415.4 (MANE Select); coding-DNA position 2134, G replaced by A.
Protein change: p.Val712Met; replaces valine 712 with methionine.
Molecular consequence: missense variant.
Genome position (GRCh38, 1-based): chr6:7,574,089, G>A. VCF-style: chr6-7574089-G-A. GRCh37 (hg19) VCF-style: chr6-7574322-G-A.
Other names: c.2134G>A, p.Val712Met (NM_001008844.3, NM_001319034.2); short protein forms V712M.
Identifiers: ClinVar variation 44871 (VCV000044871.25), dbSNP rs397516922, ClinGen allele CA005291.

ClinVar aggregate classification (germline): Conflicting classifications of pathogenicity. Review status: criteria provided, conflicting classifications (1 of 4 stars). 8 submissions from 8 submitters: Uncertain significance (6); Benign (1); Likely benign (1). Last evaluated 2025-10-29.

Conditions:
DSP-related disorder. Also called: DSP-related condition; DSP-related disorders.
Cardiomyopathy, dilated, with wooly hair, keratoderma, and tooth agenesis. Also called: Erythrokeratodermia-cardiomyopathy syndrome; Cardiomyopathy, dilated, with woolly hair, keratoderma, and tooth agenesis. Identifiers: Orphanet 476096, Orphanet 65282, MedGen C4014393, MONDO:0014355, OMIM 615821.
Lethal acantholytic epidermolysis bullosa (EBLA). Identifiers: Orphanet 158687, MedGen C1864826, MONDO:0012323, OMIM 609638.
Arrhythmogenic right ventricular dysplasia 8 (ARVD8). Also called: Arrhythmogenic Right Ventricular Dysplasia/Cardiomyopathy 8; ARRHYTHMOGENIC RIGHT VENTRICULAR DYSPLASIA, FAMILIAL, 8; ARRHYTHMOGENIC RIGHT VENTRICULAR CARDIOMYOPATHY 8. Identifiers: MedGen C1843896, MONDO:0011831, OMIM 607450.
Keratosis palmoplantaris striata 2. Also called: KERATODERMA, PALMOPLANTAR, STRIATE FORM II; STRIATE PALMOPLANTAR KERATODERMA II; Keratosis palmoplantaris striata II. Identifiers: MedGen C1852127, MONDO:0013034, OMIM 612908.
Arrhythmogenic cardiomyopathy with wooly hair and keratoderma. Also called: Carvajal syndrome; Dilated cardiomyopathy with woolly hair and keratoderma; PALMOPLANTAR KERATODERMA WITH LEFT VENTRICULAR CARDIOMYOPATHY AND WOOLLY HAIR; Arrhythmogenic cardiomyopathy with woolly hair and keratoderma. Identifiers: Orphanet 65282, MedGen C1854063, MONDO:0011581, OMIM 605676.
Cardiovascular phenotype. Identifiers: MedGen CN230736.
Cardiomyopathy (CMYO). Also called: Cardiomyopathies. Identifiers: Orphanet 167848, MedGen C0878544, MONDO:0004994, HP:0001638. Inheritance: Various modes of inheritance.

Allele frequency attached by ClinVar (database versions not stated): ExAC 0.00001; gnomAD 0.00011 and 0.00012; TOPMed 0.00011.
gnomAD v4.1: 36 of 1,613,972 alleles (0.0022%); highest among the groups gnomAD compares: African/African-American, 0.039%; no homozygotes.

Submissions (8):

Labcorp Genetics (formerly Invitae), Labcorp
Classification: Benign for Arrhythmogenic cardiomyopathy with wooly hair and keratoderma; Arrhythmogenic right ventricular dysplasia 8. Last evaluated: 2025-10-29. Review status: criteria provided, single submitter. Criteria: Invitae Variant Classification Sherloc (09022015). Collection method: clinical testing. Allele origin: germline.

Women's Health and Genetics/Laboratory Corporation of America, LabCorp
Classification: Uncertain significance. Last evaluated: 2025-08-08. Review status: criteria provided, single submitter. Criteria: LabCorp Variant Classification Summary - May 2015. Collection method: clinical testing. Allele origin: germline.
Comment: Variant summary: DSP c.2134G>A (p.Val712Met) results in a conservative amino acid change in the encoded protein sequence. Algorithms developed to predict the effect of missense changes on protein structure and function are either unavailable or do not agree on the potential impact of this missense change. The variant allele was found at a frequency of 1.6e-05 in 251274 control chromosomes. The available data on variant occurrences in the general population are insufficient to allow any conclusion about variant significance. To our knowledge, no occurrence of c.2134G>A in individuals affected with Arrhythmogenic Right Ventricular Dysplasia/Cardiomyopathy and no experimental evidence demonstrating its impact on protein function have been reported. ClinVar contains an entry for this variant (Variation ID: 44871). Based on the evidence outlined above, the variant was classified as uncertain significance.

PreventionGenetics, part of Exact Sciences
Classification: Uncertain significance for DSP-related condition. Last evaluated: 2025-01-02. Review status: criteria provided, single submitter. Criteria: ACMG Guidelines, 2015. Collection method: clinical testing. Allele origin: germline.
Comment: The DSP c.2134G>A variant is predicted to result in the amino acid substitution p.Val712Met. To our knowledge, this variant has not been reported in the literature. This variant is reported in 0.024% of alleles in individuals of African descent in gnomAD. At this time, the clinical significance of this variant is uncertain due to the absence of conclusive functional and genetic evidence.

Color Diagnostics, LLC DBA Color Health
Classification: Likely benign for Cardiomyopathy. Last evaluated: 2024-04-03. Review status: criteria provided, single submitter. Criteria: ACMG Guidelines, 2015. Collection method: clinical testing. Allele origin: germline.

Ambry Genetics
Classification: Uncertain significance for Cardiovascular phenotype. Last evaluated: 2021-08-24. Review status: criteria provided, single submitter. Criteria: Ambry Variant Classification Scheme 2023. Collection method: clinical testing. Allele origin: germline.

Mayo Clinic Laboratories, Mayo Clinic
Classification: Uncertain significance. Last evaluated: 2021-03-23. Review status: criteria provided, single submitter. Criteria: ACMG Guidelines, 2015. Collection method: clinical testing. Allele origin: germline. Observed: 1 variant allele.

Laboratory for Molecular Medicine, Mass General Brigham Personalized Medicine
Classification: Uncertain significance. Last evaluated: 2012-03-15. Review status: criteria provided, single submitter. Criteria: LMM Criteria. Collection method: clinical testing. Allele origin: germline. Observed: 1 variant allele.
Comment: The Val712Met variant in DSP has not been reported in the literature nor previou sly identified by our laboratory. Computational analyses (biochemical amino acid properties, conservation, AlignGVGD, PolyPhen2, and SIFT) do not provide strong support for or against an impact to the protein. Additional information is need ed to fully assess the clinical significance of the Val712Met variant.

Center for Genomics, Ann and Robert H. Lurie Children's Hospital of Chicago
Classification: Uncertain significance for Arrhythmogenic right ventricular dysplasia 8; Lethal acantholytic epidermolysis bullosa; Keratosis palmoplantaris striata 2; Cardiomyopathy, dilated, with wooly hair, keratoderma, and tooth agenesis; Arrhythmogenic cardiomyopathy with wooly hair and keratoderma. Review status: criteria provided, single submitter. Criteria: ACMG Guidelines, 2015. Collection method: clinical testing. Allele origin: germline.
Comment: DSP NM_004415.3 exon 16 p.Val712Met (c.2134G>A): This variant has not been reported in the literature and is present in 0.02% (6/24970) of African alleles in the Genome Aggregation Database. This variant is present in ClinVar (Variation ID:44871). Evolutionary conservation and computational predictive tools for this variant are unclear. In summary, data on this variant is insufficient for disease classification. Therefore, the clinical significance of this variant is uncertain.